The following is an entry in ClinVar:

NM_001042424.3(NSD2):c.*2G>A

Gene: NSD2 (nuclear receptor binding SET domain protein 2; plus strand). Cytogenetic location: 4p16.3.
Variant type: single nucleotide variant.
Coding change: c.*2G>A on transcript NM_001042424.3 (MANE Select); 2 bases downstream of the stop codon, G replaced by A.
Molecular consequence: 3 prime UTR variant.
Genome position (GRCh38, 1-based): chr4:1,978,911, G>A. VCF-style: chr4-1978911-G-A. GRCh37 (hg19) VCF-style: chr4-1980638-G-A.
Other names: c.*2G>A (NM_001440892.1, NM_001440893.1, NM_001440894.1 and 9 more transcripts).
Identifiers: ClinVar variation 4537304 (VCV004537304.1).

ClinVar aggregate classification (germline): Uncertain significance (1 of 4 stars; one submission).

Submission:

Women's Health and Genetics/Laboratory Corporation of America, LabCorp
Classification: Uncertain significance. Last evaluated: 2025-11-19. Review status: criteria provided, single submitter. Criteria: LabCorp Variant Classification Summary - May 2015. Collection method: clinical testing. Allele origin: germline.
Comment: Variant summary: NSD2 c.*2G>A is located in the untranslated mRNA region downstream of the termination codon. The variant was absent in 133654 control chromosomes. The available data on variant occurrences in the general population are insufficient to allow any conclusion about variant significance. To our knowledge, no occurrence of c.*2G>A in individuals affected with NSD2-related conditions and no experimental evidence demonstrating its impact on protein function have been reported. No submitters have cited clinical-significance assessments for this variant to ClinVar. Based on the evidence outlined above, the variant was classified as uncertain significance.